The following is an entry in ClinVar:

ClinVar aggregate classification (germline): Pathogenic. Review status: reviewed by expert panel (3 of 4 stars). 20 submissions from 20 submitters: Pathogenic (1). 19 of the submissions do not count toward it. Last evaluated 2016-09-08.

Conditions:
Inherited breast cancer and ovarian cancer.
BRCA2-related disorder. Also called: BRCA2-related condition; BRCA2-related disorders. Identifiers: MedGen CN239275.
Pancreatic cancer, susceptibility to, 2. Identifiers: Orphanet 1333, MedGen C3150546, MONDO:0013235, OMIM 613347.
Glioma susceptibility 3 (GLM3). Also called: Glioblastoma 3. Identifiers: Orphanet 182067, Orphanet 360, MedGen C2751641, MONDO:0013093, OMIM 613029.
Familial prostate cancer. Also called: Hereditary Prostate Cancer. Identifiers: MedGen C2931456, MONDO:0700275, OMIM 176807.
Breast-ovarian cancer, familial, susceptibility to, 2 (BROVCA2). Also called: BRCA2 Hereditary Breast and Ovarian Cancer. Identifiers: Orphanet 145, MedGen C2675520, MONDO:0012933, OMIM 612555. Disease mechanism: loss of function.
Fanconi anemia complementation group D1. Also called: BRCA2-Related Fanconi Anemia. Identifiers: Orphanet 319462, MedGen C1838457, MONDO:0011584, OMIM 605724.
Medulloblastoma (MDB). Also called: Medulloblastoma, somatic; MEDULLOBLASTOMA PREDISPOSITION SYNDROME. Identifiers: Orphanet 616, MedGen C0025149, MeSH D008527, MONDO:0007959, OMIM 155255, HP:0002885.
Wilms tumor 1 (WT1). Also called: Wilms tumor, somatic. Identifiers: Orphanet 654, MedGen CN033288, MONDO:0008679, OMIM 194070.
Familial cancer of breast. Also called: BREAST CANCER, FAMILIAL; hereditary breast carcinoma; Hereditary breast cancer. Identifiers: Orphanet 227535, MedGen C0346153, MONDO:0016419, OMIM 114480. Disease mechanism: loss of function.
Hereditary cancer-predisposing syndrome. Also called: Neoplastic Syndromes, Hereditary; Tumor predisposition; Hereditary Cancer Syndrome; Hereditary neoplastic syndrome. Identifiers: Orphanet 140162, MedGen C0027672, MeSH D009386, MONDO:0015356.
Hereditary breast ovarian cancer syndrome. Also called: Breast and ovarian cancer; Hereditary breast and ovarian cancer; Hereditary breast and ovarian cancer syndrome (HBOC); Hereditary breast and ovarian cancer syndrome; BRCA1- and BRCA2-Associated Hereditary Breast and Ovarian Cancer; Hereditary breast and/or ovarian cancer syndrome. Identifiers: Orphanet 145, MedGen C0677776, MeSH D061325, MONDO:0003582. Disease mechanism: loss of function.

Submissions 1 to 10 of 20:

Evidence-based Network for the Interpretation of Germline Mutant Alleles (ENIGMA)
Classification: Pathogenic for Breast-ovarian cancer, familial, susceptibility to, 2. Last evaluated: 2016-09-08. Review status: reviewed by expert panel. Criteria: ENIGMA BRCA1/2 Classification Criteria (2015). Collection method: curation. Allele origin: germline.
Comment: Variant allele predicted to encode a truncated non-functional protein.

Genomics and Molecular Medicine Service, East Genomic Laboratory Hub, NHS Genomic Medicine Service
Classification: Pathogenic for Inherited breast cancer and ovarian cancer. Last evaluated: 2026-05-27. Review status: criteria provided, single submitter. Criteria: ACGS Best Practice Guidelines for Variant Classification in Rare Disease 2020. Collection method: clinical testing. Allele origin: germline. Affected: yes. Not counted in ClinVar's aggregate classification.
Comment: PVS1,PM2_Supporting,PM5_Strong

Labcorp Genetics (formerly Invitae), Labcorp
Classification: Pathogenic for Hereditary breast ovarian cancer syndrome. Last evaluated: 2026-01-02. Review status: criteria provided, single submitter. Criteria: Invitae Variant Classification Sherloc (09022015). Collection method: clinical testing. Allele origin: germline. Not counted in ClinVar's aggregate classification.
Comment: This sequence change creates a premature translational stop signal (p.Thr2125Asnfs*4) in the BRCA2 gene. It is expected to result in an absent or disrupted protein product. Loss-of-function variants in BRCA2 are known to be pathogenic (PMID: 20104584). This variant is not present in population databases (gnomAD no frequency). This premature translational stop signal has been observed in individual(s) with breast, ovarian and pancreatic cancer (PMID: 11179017, 11802209, 26483394, 26681312). This variant is also known as 6601insA or 6602insA. ClinVar contains an entry for this variant (Variation ID: 38041). For these reasons, this variant has been classified as Pathogenic.

Ambry Genetics
Classification: Pathogenic for Hereditary cancer-predisposing syndrome. Last evaluated: 2025-12-03. Review status: criteria provided, single submitter. Criteria: Ambry Variant Classification Scheme 2023. Collection method: clinical testing. Allele origin: germline. Not counted in ClinVar's aggregate classification.
Comment: The c.6373dupA pathogenic mutation, located in coding exon 10 of the BRCA2 gene, results from a duplication of A at nucleotide position 6373, causing a translational frameshift with a predicted alternate stop codon (p.T2125Nfs*4). This alteration is expected to result in loss of function by premature protein truncation or nonsense-mediated mRNA decay. As such, this alteration is interpreted as a disease-causing mutation.

Institute of Human Genetics, University of Leipzig Medical Center
Classification: Pathogenic for Breast-ovarian cancer, familial, susceptibility to, 2. Last evaluated: 2025-07-21. Review status: criteria provided, single submitter. Criteria: ACMG Guidelines, 2015. Collection method: clinical testing. Allele origin: unknown. Inheritance: Autosomal dominant inheritance. Affected: yes. Not counted in ClinVar's aggregate classification.
Comment: Criteria applied: PVS1,PM5_STR,PM2_SUP

Department of Pathology and Laboratory Medicine, Sinai Health System
Classification: Pathogenic for Familial cancer of breast; Medulloblastoma; Familial prostate cancer; Wilms tumor 1; Fanconi anemia complementation group D1; Breast-ovarian cancer, familial, susceptibility to, 2; Glioma susceptibility 3; Pancreatic cancer, susceptibility to, 2. Last evaluated: 2024-12-09. Review status: criteria provided, single submitter. Criteria: ACMG Guidelines, 2015. Collection method: clinical testing. Allele origin: germline. Not counted in ClinVar's aggregate classification.

GeneDx
Classification: Pathogenic. Last evaluated: 2024-07-03. Review status: criteria provided, single submitter. Criteria: GeneDx Variant Classification Process June 2021. Collection method: clinical testing. Allele origin: germline. Affected: yes. Not counted in ClinVar's aggregate classification.
Comment: Frameshift variant predicted to result in protein truncation or nonsense mediated decay in a gene for which loss-of-function is a known mechanism of disease; Observed in individuals with a personal or family history consistent with pathogenic variants in this gene (PMID: 11179017, 11802209, 21324516, 25356972); Not observed at significant frequency in large population cohorts (gnomAD); Truncating variants in this gene are considered pathogenic by a well-established clinical consortium and/or database; Also known as 6601dupA; This variant is associated with the following publications: (PMID: 11179017, 26483394, 15131399, 21324516, 35534704, 35864222, 26681312, 28152038, 26543556, 23942203, 21120943, 25356972, 28490369, 11802209, 30702160, 29922827, 20104584, 29446198, 29752822, 31742824, 28724667, 31825140, 29339979, 36785489, 33471991)

Baylor Genetics
Classification: Pathogenic for Familial cancer of breast. Last evaluated: 2024-01-22. Review status: criteria provided, single submitter. Criteria: ACMG Guidelines, 2015. Collection method: clinical testing. Allele origin: unknown. Not counted in ClinVar's aggregate classification.

Color Diagnostics, LLC DBA Color Health
Classification: Pathogenic for Hereditary cancer-predisposing syndrome. Last evaluated: 2023-07-17. Review status: criteria provided, single submitter. Criteria: ACMG Guidelines, 2015. Collection method: clinical testing. Allele origin: germline. Not counted in ClinVar's aggregate classification.
Comment: This variant inserts 1 nucleotide in exon 11 of the BRCA2 gene, creating a frameshift and premature translation stop signal. This variant is expected to result in an absent or non-functional protein product. This variant has been detected in at least 5 individuals affected with breast, ovarian or pancreatic cancer and in additional families suspected of being affected with hereditary breast and ovarian cancer (PMID: 11179017, 11802209, 26483394, 26681312, 29339979, 33471991; Leiden Open Variation Database DB-ID BRCA2_003364, 36785489). This variant has not been identified in the general population by the Genome Aggregation Database (gnomAD). Loss of BRCA2 function is a known mechanism of disease. Based on the available evidence, this variant is classified as Pathogenic.

Laboratory for Molecular Medicine, Mass General Brigham Personalized Medicine
Classification: Pathogenic for Hereditary breast ovarian cancer syndrome. Last evaluated: 2023-05-15. Review status: criteria provided, single submitter. Criteria: ACMG Guidelines, 2015. Collection method: clinical testing. Allele origin: germline. Inheritance: Autosomal dominant inheritance. Not counted in ClinVar's aggregate classification.
Comment: The p.Thr2125AsnfsX4 variant in BRCA2 has been reported in more than 4 individuals with BRCA2-associated cancers (Susswein 2016 PMID: 26681312, Hu 2018 PMID: 29922827, Bhaskaran 2019 PMID: 30702160). It was absent from large population studies. This variant is predicted to cause a frameshift, which alters the protein’s amino acid sequence beginning at position 2125 and leads to a premature termination codon 4 amino acids downstream. This alteration is then predicted to lead to a truncated or absent protein. Heterozygous loss of function of the BRCA2 gene is an established disease mechanism in autosomal dominant hereditary breast and ovarian cancer (HBOC). Additionally, this variant was classified as pathogenic on September 8 2016 by the ClinGen-approved ENIGMA expert panel (Variation ID 38041). In summary, this variant meets criteria to be classified as pathogenic for autosomal dominant HBOC. ACMG/AMP Criteria applied: PVS1, PM2_Supporting, PS4_Supporting.

NM_000059.4(BRCA2):c.6373dup (p.Thr2125fs)

Gene: BRCA2 (BRCA2 DNA repair associated; plus strand). Cytogenetic location: 13q13.1.
Variant type: Duplication.
Coding change: c.6373dup on transcript NM_000059.4 (MANE Select); coding-DNA position 6373, one base duplicated (A; older notation c.6373dupA).
Protein change: p.Thr2125fs; shifts the reading frame from threonine 2125.
Molecular consequence: frameshift variant.
Genome position (GRCh38, 1-based): chr13:32,340,728, A duplicated; the last of 6 consecutive A bases (chr13:32,340,723-32,340,728); duplicating any one gives the same sequence. VCF-style (leftmost placement, unchanged base first): chr13-32340722-G-GA. GRCh37 (hg19) VCF-style: chr13-32914859-G-GA.
Other names: 6601insA; c.6373dupA (NM_000059.3); short protein forms T2125fs.
Identifiers: ClinVar variation 38041 (VCV000038041.37), dbSNP rs80359577, ClinGen allele CA023957.